The following is an entry in ClinVar:

ClinVar aggregate classification (germline): Uncertain significance (1 of 4 stars; one submission).

Allele frequency attached by ClinVar (database versions not stated): gnomAD exomes below 0.00001 and 0.00001; gnomAD 0.00001.
gnomAD v4.1: 7 of 1,613,736 alleles (0.00043%); highest among the groups gnomAD compares: Non-Finnish European, 0.00059%; no homozygotes.

Submission:

GeneDx
Classification: Uncertain significance. Last evaluated: 2025-12-23. Review status: criteria provided, single submitter. Criteria: GeneDx Variant Classification Process June 2021. Collection method: clinical testing. Allele origin: germline. Affected: yes.
Comment: Not observed at significant frequency in large population cohorts (gnomAD); In silico analysis suggests that this missense variant does not alter protein structure/function; Has not been previously published as pathogenic or benign to our knowledge

NM_003235.5(TG):c.5835G>C (p.Gln1945His)

Gene: TG (thyroglobulin; plus strand). Cytogenetic location: 8q24.22.
Variant type: single nucleotide variant.
Coding change: c.5835G>C on transcript NM_003235.5 (MANE Select); coding-DNA position 5835, G replaced by C.
Protein change: p.Gln1945His; replaces glutamine 1945 with histidine.
Molecular consequence: missense variant.
Genome position (GRCh38, 1-based): chr8:132,967,942, G>C. VCF-style: chr8-132967942-G-C. GRCh37 (hg19) VCF-style: chr8-133980187-G-C.
Other names: short protein forms Q1945H.
Identifiers: ClinVar variation 1320969 (VCV001320969.3), dbSNP rs1244764731, ClinGen allele CA372234764.